The following is an entry in ClinVar:

NC_000009.12:g.70809989T>G

Genes: MIR204 (microRNA 204; minus strand), TRPM3 (transient receptor potential cation channel subfamily M member 3; minus strand). Cytogenetic location: 9q21.12.
Variant type: single nucleotide variant.
Molecular consequence: intron variant (on NM_001366145.2). On other transcripts: non-coding transcript variant (1).
Genome position: GRCh38 VCF-style: chr9-70809989-T-G. GRCh37 (hg19) VCF-style: chr9-73424905-T-G.
Other names: c.979+17858A>C (NM_001366143.2, NM_001366141.2, NM_001366142.2 and 1 more transcripts); c.973+17858A>C (NM_001366150.2, NM_001366151.2, NM_001007471.4 and 4 more transcripts); c.1048+1181A>C (NM_001366148.2, NM_001366152.2, NM_001366147.2); c.514+17858A>C (NM_206944.5, NM_020952.6, NM_206945.5 and 3 more transcripts); c.589+1181A>C (NM_206947.5, NM_206946.5, NM_001007470.3).
Identifiers: ClinVar variation 1476618 (VCV001476618.6), dbSNP rs779027118, ClinGen allele CA5078764.

ClinVar aggregate classification (germline): Uncertain significance (1 of 4 stars; one submission).

gnomAD v4.1: 3 of 534,566 alleles (0.00056%); highest among the groups gnomAD compares: African/African-American, 0.0058%; no homozygotes.

Submission:

Labcorp Genetics (formerly Invitae), Labcorp
Classification: Uncertain significance. Last evaluated: 2022-07-18. Review status: criteria provided, single submitter. Criteria: Invitae Variant Classification Sherloc (09022015). Collection method: clinical testing. Allele origin: germline.
Comment: In summary, the available evidence is currently insufficient to determine the role of this variant in disease. Therefore, it has been classified as a Variant of Uncertain Significance. Experimental studies and prediction algorithms are not available or were not evaluated, and the functional significance of this variant is currently unknown. ClinVar contains an entry for this variant (Variation ID: 1476618). This variant has not been reported in the literature in individuals affected with MIR204-related conditions. This variant is present in population databases (rs779027118, gnomAD 0.02%). This variant occurs in the MIR204 gene, which encodes an RNA molecule that does not result in a protein product.